The following is an entry in ClinVar:

NM_144997.7(FLCN):c.228C>T (p.Pro76=)

Gene: FLCN (folliculin; minus strand). Cytogenetic location: 17p11.2.
Variant type: single nucleotide variant.
Coding change: c.228C>T on transcript NM_144997.7 (MANE Select); coding-DNA position 228, C replaced by T.
Protein change: p.Pro76=; no amino-acid change (proline 76 retained).
Molecular consequence: synonymous variant.
Genome position (GRCh38, 1-based): chr17:17,227,910, G>A on the plus strand (C>T on the coding strand, the complement: FLCN is on the minus strand). VCF-style: chr17-17227910-G-A. GRCh37 (hg19) VCF-style: chr17-17131224-G-A.
Other names: c.228C>T, p.Pro76= (NM_001353229.2, NM_001353230.2, NM_001353231.2 and 1 more transcripts).
Identifiers: ClinVar variation 789627 (VCV000789627.31), dbSNP rs1597617304, ClinGen allele CA498421502.

ClinVar aggregate classification (germline): Benign/Likely benign. Review status: criteria provided, multiple submitters, no conflicts (2 of 4 stars). 4 submissions from 4 submitters: Benign (1); Likely benign (3). Last evaluated 2025-02-28.

Conditions:
Birt-Hogg-Dube syndrome 1 (BHD1). Also called: FIBROFOLLICULOMAS WITH TRICHODISCOMAS AND ACROCHORDONS. Identifiers: Orphanet 122, MedGen CN375946, MONDO:0800445, OMIM 135150.
Birt-Hogg-Dube syndrome. Also called: Birt Hogg Dubé syndrome. Identifiers: Orphanet 122, MedGen C0346010, MONDO:0800444.
Hereditary cancer-predisposing syndrome. Also called: Tumor predisposition; Neoplastic Syndromes, Hereditary; Hereditary Cancer Syndrome; Hereditary neoplastic syndrome. Identifiers: Orphanet 140162, MedGen C0027672, MeSH D009386, MONDO:0015356.

Allele frequency attached by ClinVar (database versions not stated): gnomAD exomes below 0.00001; TOPMed below 0.00001.
gnomAD v4.1: 8 of 1,614,096 alleles (0.0005%); highest among the groups gnomAD compares: Non-Finnish European, 0.00059%; no homozygotes.

Submissions (4):

Labcorp Genetics (formerly Invitae), Labcorp
Classification: Likely benign for Birt-Hogg-Dube syndrome. Last evaluated: 2025-02-28. Review status: criteria provided, single submitter. Criteria: Invitae Variant Classification Sherloc (09022015). Collection method: clinical testing. Allele origin: germline.

Myriad Genetics, Inc.
Classification: Benign for Birt-Hogg-Dube syndrome 1. Last evaluated: 2024-10-22. Review status: criteria provided, single submitter. Criteria: Myriad Autosomal Dominant, Autosomal Recessive and X-Linked Classification Criteria (2023). Collection method: clinical testing. Allele origin: unknown.
Comment: This variant is considered benign. This variant is a silent/synonymous amino acid change and it is not expected to impact splicing.

CeGaT Center for Human Genetics Tuebingen
Classification: Likely benign. Last evaluated: 2024-08-01. Review status: criteria provided, single submitter. Criteria: CeGaT Center For Human Genetics Tuebingen Variant Classification Criteria Version 2. Collection method: clinical testing. Allele origin: germline. Affected: yes. Observed: 1 variant allele.
Comment: FLCN: BP4, BP7

Ambry Genetics
Classification: Likely benign for Hereditary cancer-predisposing syndrome. Last evaluated: 2018-03-26. Review status: criteria provided, single submitter. Criteria: Ambry Variant Classification Scheme 2023. Collection method: clinical testing. Allele origin: germline.